The following is an entry in ClinVar:

NM_020919.4(ALS2):c.4670A>G (p.Glu1557Gly)

Gene: ALS2 (alsin Rho guanine nucleotide exchange factor ALS2; minus strand). Cytogenetic location: 2q33.1.
Variant type: single nucleotide variant.
Coding change: c.4670A>G on transcript NM_020919.4 (MANE Select); coding-DNA position 4670, A replaced by G.
Protein change: p.Glu1557Gly; replaces glutamic acid 1557 with glycine.
Molecular consequence: missense variant.
Genome position (GRCh38, 1-based): chr2:201,705,157, T>C on the plus strand (A>G on the coding strand, the complement: ALS2 is on the minus strand). VCF-style: chr2-201705157-T-C. GRCh37 (hg19) VCF-style: chr2-202569880-T-C.
Other names: c.4667A>G, p.Glu1556Gly (NM_001410975.1); short protein forms E1556G, E1557G.
Identifiers: ClinVar variation 2574619 (VCV002574619.2), dbSNP rs2469683799, ClinGen allele CA350321682.

ClinVar aggregate classification (germline): Likely pathogenic (0 of 4 stars; one submission).

Conditions:
Tip-toe gait. Also called: Toe walking. Identifiers: MedGen C0427144, HP:0030051.

Allele frequency attached by ClinVar (database versions not stated): gnomAD exomes below 0.00001.
gnomAD v4.1: 1 of 1,614,130 alleles (0.000062%); highest among the groups gnomAD compares: Non-Finnish European, 0.000085%; no homozygotes.

Submission:

Practice for Gait Abnormalities, David Pomarino, Competency Network Toe Walking C/o Practice Pomarino
Classification: Likely pathogenic for Tip-toe gait. Last evaluated: 2022-08-01. Review status: no assertion criteria provided. Collection method: clinical testing. Allele origin: germline. Affected: yes.
Comment: Gait disorder

Literature cited by the submitters: PubMed 37091313.